The following is an entry in ClinVar:

ClinVar aggregate classification (germline): Likely benign (1 of 4 stars; one submission).

gnomAD v4.1: 1 of 1,613,914 alleles (0.000062%); highest among the groups gnomAD compares: Non-Finnish European, 0.000085%; no homozygotes.

Submission:

CeGaT Center for Human Genetics Tuebingen
Classification: Likely benign. Last evaluated: 2022-05-01. Review status: criteria provided, single submitter. Criteria: CeGaT Center For Human Genetics Tuebingen Variant Classification Criteria Version 2. Collection method: clinical testing. Allele origin: germline. Affected: yes. Observed: 1 variant allele.
Comment: KLF1: BS1

NM_006563.5(KLF1):c.1025A>T (p.Gln342Leu)

Genes: KLF1 (KLF transcription factor 1; minus strand), LOC117125591 (CRISPRi-FlowFISH-validated PRDX2 and RAD23A regulatory element; plus strand). Cytogenetic location: 19p13.13.
Variant type: single nucleotide variant.
Coding change: c.1025A>T on transcript NM_006563.5 (MANE Select); coding-DNA position 1025, A replaced by T.
Protein change: p.Gln342Leu; replaces glutamine 342 with leucine.
Molecular consequence: missense variant.
Genome position (GRCh38, 1-based): chr19:12,884,949, T>A on the plus strand (A>T on the coding strand, the complement: KLF1 is on the minus strand). VCF-style: chr19-12884949-T-A. GRCh37 (hg19) VCF-style: chr19-12995763-T-A.
Other names: short protein forms Q342L.
Identifiers: ClinVar variation 2649355 (VCV002649355.24), dbSNP rs1490648081, ClinGen allele CA404305204.
Genomic context (GRCh38, chr19:12,884,949, plus strand): 5'-AGGTGGCGCTTCATGTGCAAGGCCAGGTGGTCAGAGCGCGAAAAAGCACGTGGGCAGAGC[T>A]GGCAGCGGAAGGGGCGCTGCCCCGTGTGTTTCCGGTAGTGGCGGGTCAGCTCGTCCGAGC-3'
Protein context (NP_006554.1, residues 332-352): KHTGQRPFRC[Gln342Leu]LCPRAFSRSD